The following is an entry in ClinVar:

NM_000384.3(APOB):c.7242A>C (p.Glu2414Asp)

Gene: APOB (apolipoprotein B; minus strand). Cytogenetic location: 2p24.1.
Variant type: single nucleotide variant.
Coding change: c.7242A>C on transcript NM_000384.3 (MANE Select); coding-DNA position 7242, A replaced by C.
Protein change: p.Glu2414Asp; replaces glutamic acid 2414 with aspartic acid.
Molecular consequence: missense variant.
Genome position (GRCh38, 1-based): chr2:21,009,626, T>G on the plus strand (A>C on the coding strand, the complement: APOB is on the minus strand). VCF-style: chr2-21009626-T-G. GRCh37 (hg19) VCF-style: chr2-21232498-T-G.
Other names: short protein forms E2414D.
Identifiers: ClinVar variation 334128 (VCV000334128.28), dbSNP rs72653091, ClinGen allele CA064235.

ClinVar aggregate classification (germline): Conflicting classifications of pathogenicity. Review status: criteria provided, conflicting classifications (1 of 4 stars). 9 submissions from 8 submitters: Uncertain significance (1); Benign (2); Likely benign (5). 1 of the submissions does not count toward it. Last evaluated 2026-01-07.

Conditions:
APOB-related disorder. Also called: APOB-related condition; APOB-related disorders.
Hypercholesterolemia, autosomal dominant, type B (FHCL2). Also called: Familial hypercholesterolemia 2; Familial Hypercholesterolemia Type B; APOLIPOPROTEIN B-100, FAMILIAL DEFECTIVE; APOLIPOPROTEIN B-100, FAMILIAL LIGAND-DEFECTIVE; HYPERCHOLESTEROLEMIA, FAMILIAL, DUE TO LIGAND-DEFECTIVE APOLIPOPROTEIN B; APOB-Related Familial Hypercholesterolemia, Autosomal Dominant. Identifiers: MedGen C1704417, MONDO:0007751, OMIM 144010.
Familial hypobetalipoproteinemia 1. Also called: Hypobetalipoproteinemia, normotriglyceridemic; Acanthocytosis with hypobetalipoproteinemia; APOB-Related Familial Hypobetalipoproteinemia. Identifiers: MedGen C4551990, MONDO:0014252, OMIM 615558.
Familial hypercholesterolemia. Also called: Familial hypercholesterolaemia; Familial hypercholesterolemias. Identifiers: MedGen C0020445, MONDO:0005439.
Cardiovascular phenotype. Identifiers: MedGen CN230736.

Allele frequency attached by ClinVar (database versions not stated): ESP Exome Variant Server 0.00154; gnomAD 0.00212 and 0.00222; TOPMed 0.00236; 1000 Genomes Project 0.00300; 1000 Genomes Project 30x 0.00328.
gnomAD v4.1: 621 of 1,613,872 alleles (0.038%); highest among the groups gnomAD compares: African/African-American, 0.74%; 1 homozygote.

Submissions (9):

Labcorp Genetics (formerly Invitae), Labcorp
Classification: Benign for Familial hypobetalipoproteinemia 1; Hypercholesterolemia, autosomal dominant, type B. Last evaluated: 2026-01-07. Review status: criteria provided, single submitter. Criteria: Invitae Variant Classification Sherloc (09022015). Collection method: clinical testing. Allele origin: germline.

Molecular Diagnostic Laboratory for Inherited Cardiovascular Disease, Montreal Heart Institute
Classification: Likely benign. Last evaluated: 2025-04-09. Review status: criteria provided, single submitter. Criteria: ACMG Guidelines, 2015. Collection method: clinical testing. Allele origin: germline. Affected: no.
Comment: BS1;BP5;BP6

Genomic Medicine Center of Excellence, King Faisal Specialist Hospital and Research Centre
Classification: Likely benign for Familial hypobetalipoproteinemia 1. Last evaluated: 2024-09-22. Review status: criteria provided, single submitter. Criteria: ACMG Guidelines, 2015. Collection method: clinical testing. Allele origin: germline.

ARUP Laboratories, Molecular Genetics and Genomics, ARUP Laboratories
Classification: Likely benign. Last evaluated: 2024-04-24. Review status: criteria provided, single submitter. Criteria: ARUP Molecular Germline Variant Investigation Process 2024. Collection method: clinical testing. Allele origin: germline.

GENinCode PLC
Classification: Benign for Familial hypercholesterolemia. Last evaluated: 2022-06-21. Review status: criteria provided, single submitter. Criteria: ACMG Guidelines, 2015. Collection method: clinical testing. Allele origin: germline.

Ambry Genetics
Classification: Likely benign for Cardiovascular phenotype. Last evaluated: 2018-05-30. Review status: criteria provided, single submitter. Criteria: Ambry Variant Classification Scheme 2023. Collection method: clinical testing. Allele origin: germline.

Illumina Laboratory Services, Illumina
Classification: Likely benign for Hypercholesterolemia, autosomal dominant, type B. Last evaluated: 2018-01-13. Review status: criteria provided, single submitter. Criteria: ICSL Variant Classification Criteria 13 December 2019. Collection method: clinical testing. Allele origin: germline.
Comment: This variant was observed in the ICSL laboratory as part of a predisposition screen in an ostensibly healthy population. It had not been previously curated by ICSL or reported in the Human Gene Mutation Database (HGMD: prior to June 1st, 2018), and was therefore a candidate for classification through an automated scoring system. Utilizing variant allele frequency, disease prevalence and penetrance estimates, and inheritance mode, an automated score was calculated to assess if this variant is too frequent to cause the disease. Based on the score and internal cut-off values, a variant classified as likely benign is not then subjected to further curation. The score for this variant resulted in a classification of likely benign for this disease.

Illumina Laboratory Services, Illumina
Classification: Uncertain significance for Familial hypobetalipoproteinemia 1. Last evaluated: 2018-01-13. Review status: criteria provided, single submitter. Criteria: ICSL Variant Classification Criteria 13 December 2019. Collection method: clinical testing. Allele origin: germline.

PreventionGenetics, part of Exact Sciences
Classification: Benign for APOB-related condition. Last evaluated: 2020-02-21. Review status: no assertion criteria provided. Collection method: clinical testing. Allele origin: germline. Not counted in ClinVar's aggregate classification.
Comment: This variant is classified as benign based on ACMG/AMP sequence variant interpretation guidelines (Richards et al. 2015 PMID: 25741868, with internal and published modifications).